The following is an entry in ClinVar:

ClinVar aggregate classification (germline): Likely benign. Review status: criteria provided, multiple submitters, no conflicts (2 of 4 stars). 2 submissions from 2 submitters: Likely benign (2). Last evaluated 2025-12-14.

Allele frequency attached by ClinVar (database versions not stated): gnomAD exomes 0.00001 and 0.00002; ExAC 0.00002; gnomAD 0.00003; TOPMed 0.00003.

Submissions (2):

Labcorp Genetics (formerly Invitae), Labcorp
Classification: Likely benign. Last evaluated: 2025-12-14. Review status: criteria provided, single submitter. Criteria: Invitae Variant Classification Sherloc (09022015). Collection method: clinical testing. Allele origin: germline.

CeGaT Center for Human Genetics Tuebingen
Classification: Likely benign. Last evaluated: 2024-07-01. Review status: criteria provided, single submitter. Criteria: CeGaT Center For Human Genetics Tuebingen Variant Classification Criteria Version 2. Collection method: clinical testing. Allele origin: germline. Affected: yes. Observed: 1 variant allele.
Comment: DLG3: BP4, BP7

NM_021120.4(DLG3):c.966T>G (p.Ala322=)

Gene: DLG3 (discs large MAGUK scaffold protein 3; plus strand). Cytogenetic location: Xq13.1.
Variant type: single nucleotide variant.
Coding change: c.966T>G on transcript NM_021120.4 (MANE Select); coding-DNA position 966, T replaced by G.
Protein change: p.Ala322=; no amino-acid change (alanine 322 retained).
Molecular consequence: synonymous variant.
Genome position (GRCh38, 1-based): chrX:70,450,764, T>G. VCF-style: chrX-70450764-T-G. GRCh37 (hg19) VCF-style: chrX-69670614-T-G.
Identifiers: ClinVar variation 741585 (VCV000741585.21), dbSNP rs751325695, ClinGen allele CA10442035.